The following is an entry in ClinVar:

ClinVar aggregate classification (germline): Uncertain significance. Review status: criteria provided, multiple submitters, no conflicts (2 of 4 stars). 2 submissions from 2 submitters: Uncertain significance (2). Last evaluated 2022-08-10.

Allele frequency attached by ClinVar (database versions not stated): gnomAD exomes below 0.00001; TOPMed 0.00003.
gnomAD v4.1: 6 of 1,612,986 alleles (0.00037%); highest among the groups gnomAD compares: Admixed American, 0.0017%; no homozygotes.

Submissions (2):

Labcorp Genetics (formerly Invitae), Labcorp
Classification: Uncertain significance. Last evaluated: 2022-08-10. Review status: criteria provided, single submitter. Criteria: Invitae Variant Classification Sherloc (09022015). Collection method: clinical testing. Allele origin: germline.
Comment: This sequence change replaces methionine, which is neutral and non-polar, with threonine, which is neutral and polar, at codon 51 of the KCNJ13 protein (p.Met51Thr). In summary, the available evidence is currently insufficient to determine the role of this variant in disease. Therefore, it has been classified as a Variant of Uncertain Significance. Algorithms developed to predict the effect of missense changes on protein structure and function (SIFT, PolyPhen-2, Align-GVGD) all suggest that this variant is likely to be disruptive. This variant has not been reported in the literature in individuals affected with KCNJ13-related conditions. This variant is present in population databases (no rsID available, gnomAD 0.003%).

Blueprint Genetics
Classification: Uncertain significance. Last evaluated: 2022-04-12. Review status: criteria provided, single submitter. Criteria: ACMG Guidelines, 2015. Collection method: clinical testing. Allele origin: germline.

NM_002242.4(KCNJ13):c.152T>C (p.Met51Thr)

Genes: GIGYF2 (GRB10 interacting GYF protein 2; plus strand), KCNJ13 (potassium inwardly rectifying channel subfamily J member 13; minus strand). Cytogenetic location: 2q37.1.
Variant type: single nucleotide variant.
Coding change: c.152T>C on transcript NM_002242.4 (MANE Select); coding-DNA position 152, T replaced by C.
Protein change: p.Met51Thr; replaces methionine 51 with threonine.
Molecular consequence: missense variant. On other transcripts: intron variant (5).
Genome position (GRCh38, 1-based): chr2:232,771,211, A>G on the plus strand (T>C on the coding strand, the complement: KCNJ13 is on the minus strand). VCF-style: chr2-232771211-A-G. GRCh37 (hg19) VCF-style: chr2-233635921-A-G.
Other names: c.152T>C, p.Met51Thr (NM_001172416.1); c.532+9775A>G (NM_001103146.3, NM_015575.4, NM_001103148.2); c.533-5201A>G (NM_001103147.2); c.-23-66T>C (NM_001172417.1); short protein forms M51T.
Identifiers: ClinVar variation 2053610 (VCV002053610.5), dbSNP rs1335177310, ClinGen allele CA351014085.
Genomic context (GRCh38, chr2:232,771,211, plus strand): 5'-AAGACAAGCCAGTGGACAACAAAAGAAGCAGAAAAGACCAACATCATCCAACGCCAGCGC[A>G]TGTCCATTAGGATTCCCCAAGCATCTCGAAGATATGCAAGACCTCTTTGAGCGCCATCCA-3'
Protein context (NP_002233.2, residues 41-61): LRDAWGILMD[Met51Thr]RWRWMMLVFS